The following is an entry in ClinVar:

NM_018474.6(KIZ):c.531C>G (p.His177Gln)

Gene: KIZ (kizuna centrosomal protein; plus strand). Cytogenetic location: 20p11.23.
Variant type: single nucleotide variant.
Coding change: c.531C>G on transcript NM_018474.6 (MANE Select); coding-DNA position 531, C replaced by G.
Protein change: p.His177Gln; replaces histidine 177 with glutamine.
Molecular consequence: missense variant.
Genome position (GRCh38, 1-based): chr20:21,161,996, C>G. VCF-style: chr20-21161996-C-G. GRCh37 (hg19) VCF-style: chr20-21142637-C-G.
Other names: c.531C>G (NM_018474.4); c.222C>G, p.His74Gln (NM_001163022.3, NM_001352435.2); c.132C>G, p.His44Gln (NM_001163023.3); c.384C>G, p.His128Gln (NM_001276389.2); c.531C>G, p.His177Gln (NM_001352434.2); c.189C>G, p.His63Gln (NM_001352436.2); short protein forms H177Q, H44Q, H63Q, H128Q, H74Q.
Identifiers: ClinVar variation 1419134 (VCV001419134.5), dbSNP rs758692347, ClinGen allele CA9784665.

ClinVar aggregate classification (germline): Conflicting classifications of pathogenicity. Review status: criteria provided, conflicting classifications (1 of 4 stars). 3 submissions from 3 submitters: Uncertain significance (2); Likely benign (1). Last evaluated 2025-11-26.

Allele frequency attached by ClinVar (database versions not stated): gnomAD 0.00001; ExAC 0.00002; TOPMed 0.00002.
gnomAD v4.1: 15 of 1,613,836 alleles (0.00093%); highest among the groups gnomAD compares: Admixed American, 0.025%; no homozygotes.

Submissions (3):

Ambry Genetics
Classification: Likely benign. Last evaluated: 2025-11-26. Review status: criteria provided, single submitter. Criteria: Ambry Variant Classification Scheme 2023. Collection method: clinical testing. Allele origin: germline.

Blueprint Genetics
Classification: Uncertain significance. Last evaluated: 2022-09-02. Review status: criteria provided, single submitter. Criteria: ACMG Guidelines, 2015. Collection method: clinical testing. Allele origin: germline.

Labcorp Genetics (formerly Invitae), Labcorp
Classification: Uncertain significance. Last evaluated: 2022-07-18. Review status: criteria provided, single submitter. Criteria: Invitae Variant Classification Sherloc (09022015). Collection method: clinical testing. Allele origin: germline.
Comment: This sequence change replaces histidine, which is basic and polar, with glutamine, which is neutral and polar, at codon 177 of the KIZ protein (p.His177Gln). This variant is present in population databases (rs758692347, gnomAD 0.03%). This variant has not been reported in the literature in individuals affected with KIZ-related conditions. ClinVar contains an entry for this variant (Variation ID: 1419134). Experimental studies and prediction algorithms are not available or were not evaluated, and the functional significance of this variant is currently unknown. In summary, the available evidence is currently insufficient to determine the role of this variant in disease. Therefore, it has been classified as a Variant of Uncertain Significance.